The following is an entry in ClinVar:

NM_001012339.3(DNAJC21):c.882dup (p.Asp295fs)

Gene: DNAJC21 (DnaJ heat shock protein family (Hsp40) member C21; plus strand). Cytogenetic location: 5p13.2.
Variant type: Duplication.
Coding change: c.882dup on transcript NM_001012339.3 (MANE Select); coding-DNA position 882, one base duplicated (A; older notation c.882dupA).
Protein change: p.Asp295fs; shifts the reading frame from aspartic acid 295.
Molecular consequence: frameshift variant.
Genome position (GRCh38, 1-based): chr5:34,938,996, A duplicated; the last of 3 consecutive A bases (chr5:34,938,994-34,938,996); duplicating any one gives the same sequence. VCF-style (leftmost placement, unchanged base first): chr5-34938993-C-CA. GRCh37 (hg19) VCF-style: chr5-34939098-C-CA.
Other names: c.882dup, p.Asp295fs (NM_001348420.2, NM_194283.4); short protein forms D295fs.
Identifiers: ClinVar variation 4765902 (VCV004765902.1).

ClinVar aggregate classification (germline): Pathogenic (1 of 4 stars; one submission).

Submission:

Labcorp Genetics (formerly Invitae), Labcorp
Classification: Pathogenic. Last evaluated: 2026-01-14. Review status: criteria provided, single submitter. Criteria: Invitae Variant Classification Sherloc (09022015). Collection method: clinical testing. Allele origin: germline.
Comment: This sequence change creates a premature translational stop signal (p.Asp295Argfs*2) in the DNAJC21 gene. It is expected to result in an absent or disrupted protein product. Loss-of-function variants in DNAJC21 are known to be pathogenic (PMID: 27346687, 28062395). This variant is not present in population databases (gnomAD no frequency). This variant has not been reported in the literature in individuals affected with DNAJC21-related conditions. For these reasons, this variant has been classified as Pathogenic.

Literature cited by the submitters: PubMed 27346687; PubMed 28062395.